The following is an entry in ClinVar:

NM_000038.6(APC):c.961dup (p.Met321fs)

Gene: APC (APC regulator of Wnt signaling pathway; plus strand). Cytogenetic location: 5q22.2.
Variant type: Duplication.
Coding change: c.961dup on transcript NM_000038.6 (MANE Select); coding-DNA position 961, one base duplicated (A; older notation c.961dupA).
Protein change: p.Met321fs; shifts the reading frame from methionine 321.
Molecular consequence: frameshift variant. On other transcripts: non-coding transcript variant (2), intron variant (15).
Genome position (GRCh38, 1-based): chr5:112,818,993, A duplicated; the last of 2 consecutive A bases (chr5:112,818,992-112,818,993); duplicating either gives the same sequence. VCF-style (leftmost placement, unchanged base first): chr5-112818991-C-CA. GRCh37 (hg19) VCF-style: chr5-112154688-C-CA.
Other names: c.961dup, p.Met321fs (NM_001127510.3, NM_001354895.2, NM_001354896.2 and 4 more transcripts); c.907dup, p.Met303fs (NM_001127511.3); c.991dup, p.Met331fs (NM_001354897.2, NM_001407446.1); c.886dup, p.Met296fs (NM_001354898.2, NM_001407451.1); c.877dup, p.Met293fs (NM_001354899.2, NM_001407452.1); c.784dup, p.Met262fs (NM_001354900.2, NM_001354901.2, NM_001407453.1); c.112dup, p.Met38fs (NM_001354906.2, NM_001407470.1); c.85-276dup (NM_001407472.1, NM_001407471.1); and 5 more; short protein forms M293fs, M321fs, M331fs, M262fs, M296fs, M38fs, M303fs.
Identifiers: ClinVar variation 2774690 (VCV002774690.2), dbSNP rs2533035596, ClinGen allele CA2697546400.

ClinVar aggregate classification (germline): Pathogenic (1 of 4 stars; one submission).

Conditions:
Hereditary cancer-predisposing syndrome. Also called: Neoplastic Syndromes, Hereditary; Tumor predisposition; Hereditary Cancer Syndrome; Hereditary neoplastic syndrome. Identifiers: Orphanet 140162, MedGen C0027672, MeSH D009386, MONDO:0015356.

Submission:

Color Diagnostics, LLC DBA Color Health
Classification: Pathogenic for Hereditary cancer-predisposing syndrome. Last evaluated: 2022-02-25. Review status: criteria provided, single submitter. Criteria: ACMG Guidelines, 2015. Collection method: clinical testing. Allele origin: germline.
Comment: This variant inserts 1 nucleotide in exon 10 of the APC gene, creating a frameshift and premature translation stop signal. This variant is expected to result in an absent or non-functional protein product. To our knowledge, this variant has not been reported in individuals affected with hereditary cancer in the literature. This variant has not been identified in the general population by the Genome Aggregation Database (gnomAD). Loss of APC function is a known mechanism of disease. Based on the available evidence, this variant is classified as Pathogenic.